The following is an entry in ClinVar:

ClinVar aggregate classification (germline): Conflicting classifications of pathogenicity. Review status: criteria provided, conflicting classifications (1 of 4 stars). 2 submissions from 2 submitters: Uncertain significance (1); Likely benign (1). Last evaluated 2025-05-06.

Conditions:
Epidermolysis bullosa simplex, Ogna type (EBS5A). Also called: Pidermolysis bullosa simplex 5A, Ogna type; EPIDERMOLYSIS BULLOSA SIMPLEX 5A, OGNA TYPE. Identifiers: Orphanet 79401, MedGen C0432317, MONDO:0007555, OMIM 131950.
Epidermolysis bullosa simplex 5C, with pyloric atresia (EBS5C). Also called: PLEC1-Related Epidermolysis Bullosa with Pyloric Atresia; PLEC-Related Epidermolysis Bullosa with Pyloric Atresia; Epidermolysis bullosa simplex with pyloric atresia. Identifiers: Orphanet 158684, MedGen C2677349, MONDO:0012807, OMIM 612138.
Epidermolysis bullosa simplex with nail dystrophy (EBS5D). Identifiers: MedGen C4225309, MONDO:0014661, OMIM 616487.
Autosomal recessive limb-girdle muscular dystrophy type 2Q (LGMDR17). Also called: MUSCULAR DYSTROPHY, LIMB-GIRDLE, AUTOSOMAL RECESSIVE 17. Identifiers: Orphanet 254361, MedGen C3150989, MONDO:0013390, OMIM 613723.
Epidermolysis bullosa simplex 5B, with muscular dystrophy (EBS5B). Also called: EPIDERMOLYSIS BULLOSA SIMPLEX AND LIMB-GIRDLE MUSCULAR DYSTROPHY; Epidermolysis bullosa simplex with muscular dystrophy. Identifiers: Orphanet 257, MedGen C2931072, MONDO:0009181, OMIM 226670.

Submissions (2):

Labcorp Genetics (formerly Invitae), Labcorp
Classification: Likely benign for Autosomal recessive limb-girdle muscular dystrophy type 2Q; Epidermolysis bullosa simplex, Ogna type; Epidermolysis bullosa simplex with nail dystrophy; Epidermolysis bullosa simplex 5C, with pyloric atresia; Epidermolysis bullosa simplex 5B, with muscular dystrophy. Last evaluated: 2025-05-06. Review status: criteria provided, single submitter. Criteria: Invitae Variant Classification Sherloc (09022015). Collection method: clinical testing. Allele origin: germline.

CeGaT Center for Human Genetics Tuebingen
Classification: Uncertain significance. Last evaluated: 2024-07-01. Review status: criteria provided, single submitter. Criteria: CeGaT Center For Human Genetics Tuebingen Variant Classification Criteria Version 2. Collection method: clinical testing. Allele origin: germline. Affected: yes. Observed: 1 variant allele.
Comment: PLEC: PM2, BP4

NM_201384.3(PLEC):c.7426-13TCT[2]

Gene: PLEC (plectin; minus strand). Cytogenetic location: 8q24.3.
Variant type: Microsatellite.
Coding change: c.7426-13TCT[2] on transcript NM_201384.3 (MANE Select); two copies in a row of the 3-base unit TCT starting at c.7426-13; the reference has three copies in a row; one copy, 3 bases deleted.
Molecular consequence: intron variant.
Genome position (GRCh38, 1-based): chr8:143,922,400-143,922,402, AGA deleted on the plus strand (TCT on the coding strand, the reverse complement: PLEC is on the minus strand); deleting any 3 consecutive bases within chr8:143,922,400-143,922,408 gives the same sequence; the position shown is the placement nearest the transcript's 3' end. VCF-style (leftmost placement, unchanged base first): chr8-143922399-CAGA-C. GRCh37 (hg19) VCF-style: chr8-144996567-CAGA-C.
Other names: c.7507-13TCT[2] (NM_000445.5); c.7384-13TCT[2] (NM_201378.4); c.7360-13TCT[2] (NM_201379.3); c.7837-13TCT[2] (NM_201380.4); c.7330-13TCT[2] (NM_201381.3); c.7426-13TCT[2] (NM_201382.4); c.7438-13TCT[2] (NM_201383.3).
Identifiers: ClinVar variation 1382526 (VCV001382526.23), dbSNP rs1354542457, ClinGen allele CA586158237.